The following is an entry in ClinVar:

ClinVar aggregate classification (germline): Uncertain significance. Review status: criteria provided, multiple submitters, no conflicts (2 of 4 stars). 2 submissions from 2 submitters: Uncertain significance (2). Last evaluated 2023-05-13.

Allele frequency attached by ClinVar (database versions not stated): gnomAD 0.00001; TOPMed 0.00002.

Submissions (2):

Labcorp Genetics (formerly Invitae), Labcorp
Classification: Uncertain significance. Last evaluated: 2023-05-13. Review status: criteria provided, single submitter. Criteria: Invitae Variant Classification Sherloc (09022015). Collection method: clinical testing. Allele origin: germline.
Comment: Algorithms developed to predict the effect of missense changes on protein structure and function output the following: SIFT: "Not Available"; PolyPhen-2: "Benign"; Align-GVGD: "Not Available". The valine amino acid residue is found in multiple mammalian species, which suggests that this missense change does not adversely affect protein function. In summary, the available evidence is currently insufficient to determine the role of this variant in disease. Therefore, it has been classified as a Variant of Uncertain Significance. This variant has not been reported in the literature in individuals affected with ZNF408-related conditions. ClinVar contains an entry for this variant (Variation ID: 1039233). This sequence change replaces methionine, which is neutral and non-polar, with valine, which is neutral and non-polar, at codon 400 of the ZNF408 protein (p.Met400Val). This variant is not present in population databases (gnomAD no frequency).

Blueprint Genetics
Classification: Uncertain significance. Last evaluated: 2022-07-18. Review status: criteria provided, single submitter. Criteria: ACMG Guidelines, 2015. Collection method: clinical testing. Allele origin: germline.

NM_024741.3(ZNF408):c.1198A>G (p.Met400Val)

Gene: ZNF408 (zinc finger protein 408; plus strand). Cytogenetic location: 11p11.2.
Variant type: single nucleotide variant.
Coding change: c.1198A>G on transcript NM_024741.3 (MANE Select); coding-DNA position 1198, A replaced by G.
Protein change: p.Met400Val; replaces methionine 400 with valine.
Molecular consequence: missense variant.
Genome position (GRCh38, 1-based): chr11:46,704,898, A>G. VCF-style: chr11-46704898-A-G. GRCh37 (hg19) VCF-style: chr11-46726448-A-G.
Other names: c.1174A>G, p.Met392Val (NM_001184751.2); short protein forms M392V, M400V.
Identifiers: ClinVar variation 1039233 (VCV001039233.7), dbSNP rs996254195, ClinGen allele CA221633347.